The following is an entry in ClinVar:

ClinVar aggregate classification (germline): Uncertain significance. Review status: criteria provided, multiple submitters, no conflicts (2 of 4 stars). 2 submissions from 2 submitters: Uncertain significance (2). Last evaluated 2025-08-26.

Allele frequency attached by ClinVar (database versions not stated): gnomAD exomes below 0.00001; gnomAD 0.00001; ExAC 0.00003; TOPMed 0.00004; ESP Exome Variant Server 0.00015; 1000 Genomes Project 30x 0.00016; 1000 Genomes Project 0.00020.
gnomAD v4.1: 5 of 1,613,904 alleles (0.00031%); highest among the groups gnomAD compares: African/African-American, 0.0067%; no homozygotes.

Submissions (2):

Ambry Genetics
Classification: Uncertain significance. Last evaluated: 2025-08-26. Review status: criteria provided, single submitter. Criteria: Ambry Variant Classification Scheme 2023. Collection method: clinical testing. Allele origin: germline.

Labcorp Genetics (formerly Invitae), Labcorp
Classification: Uncertain significance. Last evaluated: 2022-08-05. Review status: criteria provided, single submitter. Criteria: Invitae Variant Classification Sherloc (09022015). Collection method: clinical testing. Allele origin: germline.
Comment: In summary, the available evidence is currently insufficient to determine the role of this variant in disease. Therefore, it has been classified as a Variant of Uncertain Significance. Algorithms developed to predict the effect of missense changes on protein structure and function are either unavailable or do not agree on the potential impact of this missense change (SIFT: "Deleterious"; PolyPhen-2: "Benign"; Align-GVGD: "Class C55"). This variant has not been reported in the literature in individuals affected with PTPRO-related conditions. This variant is present in population databases (rs147962263, gnomAD 0.03%). This sequence change replaces serine, which is neutral and polar, with threonine, which is neutral and polar, at codon 251 of the PTPRO protein (p.Ser251Thr).

NM_030667.3(PTPRO):c.751T>A (p.Ser251Thr)

Gene: PTPRO (protein tyrosine phosphatase receptor type O; plus strand). Cytogenetic location: 12p12.3.
Variant type: single nucleotide variant.
Coding change: c.751T>A on transcript NM_030667.3 (MANE Select); coding-DNA position 751, T replaced by A.
Protein change: p.Ser251Thr; replaces serine 251 with threonine.
Molecular consequence: missense variant.
Genome position (GRCh38, 1-based): chr12:15,501,709, T>A. VCF-style: chr12-15501709-T-A. GRCh37 (hg19) VCF-style: chr12-15654643-T-A.
Other names: c.751T>A, p.Ser251Thr (NM_002848.4); c.751T>A (NM_030667.2); short protein forms S251T.
Identifiers: ClinVar variation 1896763 (VCV001896763.6), dbSNP rs147962263, ClinGen allele CA6466363.